The following is an entry in ClinVar:

ClinVar aggregate classification (germline): Pathogenic/Likely pathogenic. Review status: criteria provided, multiple submitters, no conflicts (2 of 4 stars). 2 submissions from 2 submitters: Pathogenic (1); Likely pathogenic (1). Last evaluated 2024-05-07.

Conditions:
Fanconi anemia (FA). Also called: Fanconi's anemia. Identifiers: Orphanet 84, MedGen C0015625, MeSH D005199, MONDO:0019391.
Fanconi anemia complementation group D2. Also called: FANCONI PANCYTOPENIA, TYPE 4; FANCONI ANEMIA, COMPLEMENTATION GROUP D; FANCD2-Related Fanconi Anemia. Identifiers: Orphanet 84, MedGen C3160738, MONDO:0009214, OMIM 227646.

Allele frequency attached by ClinVar (database versions not stated): gnomAD exomes below 0.00001.
gnomAD v4.1: 4 of 1,613,864 alleles (0.00025%); highest among the groups gnomAD compares: Non-Finnish European, 0.00017%; no homozygotes.

Submissions (2):

Fulgent Genetics
Classification: Likely pathogenic for Fanconi anemia complementation group D2. Last evaluated: 2024-05-07. Review status: criteria provided, single submitter. Criteria: ACMG Guidelines, 2015. Collection method: clinical testing. Allele origin: germline.

Labcorp Genetics (formerly Invitae), Labcorp
Classification: Pathogenic for Fanconi anemia. Last evaluated: 2023-08-02. Review status: criteria provided, single submitter. Criteria: Invitae Variant Classification Sherloc (09022015). Collection method: clinical testing. Allele origin: germline.
Comment: This variant is not present in population databases (gnomAD no frequency). For these reasons, this variant has been classified as Pathogenic. This variant has not been reported in the literature in individuals affected with FANCD2-related conditions. This sequence change creates a premature translational stop signal (p.Leu816*) in the FANCD2 gene. It is expected to result in an absent or disrupted protein product. Loss-of-function variants in FANCD2 are known to be pathogenic (PMID: 17436244).

Literature cited by the submitters: PubMed 17436244 (cited by Labcorp Genetics (formerly Invitae), Labcorp).

NM_001018115.3(FANCD2):c.2447T>A (p.Leu816Ter)

Genes: FANCD2 (FA complementation group D2; plus strand), LOC107303338 (3p25 FANCD2 Alu-mediated recombination region; plus strand). Cytogenetic location: 3p25.3.
Variant type: single nucleotide variant.
Coding change: c.2447T>A on transcript NM_001018115.3 (MANE Select); coding-DNA position 2447, T replaced by A.
Protein change: p.Leu816Ter; replaces leucine 816 with a stop codon.
Molecular consequence: nonsense.
Genome position (GRCh38, 1-based): chr3:10,067,270, T>A. VCF-style: chr3-10067270-T-A. GRCh37 (hg19) VCF-style: chr3-10108954-T-A.
Other names: c.2447T>A, p.Leu816Ter (NM_001319984.2, NM_001374254.1, NM_033084.6); c.2336T>A, p.Leu779Ter (NM_001374253.1); c.2447T>A (NM_033084.4); short protein forms L779*, L816*.
Identifiers: ClinVar variation 2905039 (VCV002905039.4), dbSNP rs2469975972, ClinGen allele CA351738171.
Genomic context (GRCh38, chr3:10,067,270, plus strand): 5'-TTGTAAATGCCTTCTGCCAGGAAACATCACCTGAGATGAAGGGGAAGGTGCTCACTCGGT[T>A]AAAGCACATTGTAGAATTGCAAATAATCCTGGAAAAGTACTTGGCAGGTAAGAGAAGTGT-3'